The following is an entry in ClinVar:

ClinVar aggregate classification (germline): Uncertain significance (1 of 4 stars; one submission).

Conditions:
Congenital contractural arachnodactyly (CCA). Also called: BEALS SYNDROME; Arthrogryposis, distal, type 9; Beals-Hecht syndrome. Identifiers: Orphanet 115, MedGen C0220668, MONDO:0007363, OMIM 121050.

Submission:

Labcorp Genetics (formerly Invitae), Labcorp
Classification: Uncertain significance for Congenital contractural arachnodactyly. Last evaluated: 2022-10-18. Review status: criteria provided, single submitter. Criteria: Invitae Variant Classification Sherloc (09022015). Collection method: clinical testing. Allele origin: germline.
Comment: In summary, the available evidence is currently insufficient to determine the role of this variant in disease. Therefore, it has been classified as a Variant of Uncertain Significance. Advanced modeling of protein sequence and biophysical properties (such as structural, functional, and spatial information, amino acid conservation, physicochemical variation, residue mobility, and thermodynamic stability) has been performed at Invitae for this missense variant, however the output from this modeling did not meet the statistical confidence thresholds required to predict the impact of this variant on FBN2 protein function. This variant has not been reported in the literature in individuals affected with FBN2-related conditions. This variant is not present in population databases (gnomAD no frequency). This sequence change replaces glycine, which is neutral and non-polar, with arginine, which is basic and polar, at codon 172 of the FBN2 protein (p.Gly172Arg).

NM_001999.4(FBN2):c.514G>A (p.Gly172Arg)

Gene: FBN2 (fibrillin 2; minus strand). Cytogenetic location: 5q23.3.
Variant type: single nucleotide variant.
Coding change: c.514G>A on transcript NM_001999.4 (MANE Select); coding-DNA position 514, G replaced by A.
Protein change: p.Gly172Arg; replaces glycine 172 with arginine.
Molecular consequence: missense variant.
Genome position (GRCh38, 1-based): chr5:128,527,890, C>T on the plus strand (G>A on the coding strand, the complement: FBN2 is on the minus strand). VCF-style: chr5-128527890-C-T. GRCh37 (hg19) VCF-style: chr5-127863583-C-T.
Other names: short protein forms G172R.
Identifiers: ClinVar variation 1720830 (VCV001720830.6), dbSNP rs2479812849, ClinGen allele CA360758507.